The following is an entry in ClinVar:

ClinVar aggregate classification (germline): Conflicting classifications of pathogenicity. Review status: criteria provided, conflicting classifications (1 of 4 stars). 3 submissions from 3 submitters: Uncertain significance (2); Likely benign (1). Last evaluated 2025-02-06.

Conditions:
Developmental and epileptic encephalopathy 94 (DEE94). Also called: CHD2-Related Neurodevelopmental Disorders; Epileptic encephalopathy, childhood-onset. Identifiers: Orphanet 1942, Orphanet 2382, MedGen C3809278, MONDO:0014150, OMIM 615369.
Inborn genetic diseases. Identifiers: MedGen C0950123, MeSH D030342.

Allele frequency attached by ClinVar (database versions not stated): gnomAD exomes below 0.00001 and 0.00001; ExAC 0.00001; gnomAD 0.00002; TOPMed 0.00003.
gnomAD v4.1: 9 of 1,614,060 alleles (0.00056%); highest among the groups gnomAD compares: Non-Finnish European, 0.00076%; no homozygotes.

Submissions (3):

Labcorp Genetics (formerly Invitae), Labcorp
Classification: Uncertain significance for Developmental and epileptic encephalopathy 94. Last evaluated: 2025-02-06. Review status: criteria provided, single submitter. Criteria: Invitae Variant Classification Sherloc (09022015). Collection method: clinical testing. Allele origin: germline.
Comment: This sequence change replaces proline, which is neutral and non-polar, with serine, which is neutral and polar, at codon 1749 of the CHD2 protein (p.Pro1749Ser). This variant is present in population databases (rs772907727, gnomAD 0.0009%). This variant has not been reported in the literature in individuals affected with CHD2-related conditions. ClinVar contains an entry for this variant (Variation ID: 376827). Invitae Evidence Modeling of protein sequence and biophysical properties (such as structural, functional, and spatial information, amino acid conservation, physicochemical variation, residue mobility, and thermodynamic stability) indicates that this missense variant is not expected to disrupt CHD2 protein function with a negative predictive value of 95%. In summary, the available evidence is currently insufficient to determine the role of this variant in disease. Therefore, it has been classified as a Variant of Uncertain Significance.

Ambry Genetics
Classification: Likely benign for Inborn genetic diseases. Last evaluated: 2017-04-18. Review status: criteria provided, single submitter. Criteria: Ambry Variant Classification Scheme 2023. Collection method: clinical testing. Allele origin: germline.

Center for Pediatric Genomic Medicine, Children's Mercy Hospital and Clinics
Classification: Uncertain significance. Last evaluated: 2016-10-12. Review status: criteria provided, single submitter. Criteria: ACMG Guidelines, 2015. Collection method: clinical testing. Allele origin: germline.
ClinVar note: Converted during submission from Uncertain Significance to Uncertain significance.

NM_001271.4(CHD2):c.5245C>T (p.Pro1749Ser)

Gene: CHD2 (chromodomain helicase DNA binding protein 2; plus strand). Cytogenetic location: 15q26.1.
Variant type: single nucleotide variant.
Coding change: c.5245C>T on transcript NM_001271.4 (MANE Select); coding-DNA position 5245, C replaced by T.
Protein change: p.Pro1749Ser; replaces proline 1749 with serine.
Molecular consequence: missense variant.
Genome position (GRCh38, 1-based): chr15:93,024,463, C>T. VCF-style: chr15-93024463-C-T. GRCh37 (hg19) VCF-style: chr15-93567693-C-T.
Other names: short protein forms P1749S.
Identifiers: ClinVar variation 376827 (VCV000376827.16), dbSNP rs772907727, ClinGen allele CA7748707.
Genomic context (GRCh38, chr15:93,024,463, plus strand): 5'-GATGAATTTAGGCCTCAAAATTACCACCAGCAGGATTTCCGACGAATGTCTGATCACCGC[C>T]CCGCTATGGGCTACCATGGCCAGGGACCCTCAGACCATTACCGCTCTTTCCACACAGATA-3'
Protein context (NP_001262.3, residues 1739-1759): QDFRRMSDHR[Pro1749Ser]AMGYHGQGPS